The following is an entry in ClinVar:

NM_001032283.3(TMPO):c.565+2472A>G

Gene: TMPO (thymopoietin; plus strand). Cytogenetic location: 12q23.1.
Variant type: single nucleotide variant.
Coding change: c.565+2472A>G on transcript NM_001032283.3 (MANE Select); 2472 bases into the intron after coding-DNA position 565, A replaced by G.
Molecular consequence: intron variant. On other transcripts: missense variant (1).
Genome position (GRCh38, 1-based): chr12:98,534,310, A>G. VCF-style: chr12-98534310-A-G. GRCh37 (hg19) VCF-style: chr12-98928088-A-G.
Other names: c.2053A>G, p.Lys685Glu (NM_003276.2); c.565+2472A>G (NM_001307975.2, NM_001032284.3); short protein forms K685E.
Identifiers: ClinVar variation 2625255 (VCV002625255.2), dbSNP rs1877431244, ClinGen allele CA386154508.

ClinVar aggregate classification (germline): Uncertain significance (1 of 4 stars; one submission).

Allele frequency attached by ClinVar (database versions not stated): TOPMed below 0.00001; gnomAD 0.00001.
gnomAD v4.1: 3 of 1,612,898 alleles (0.00019%); highest among the groups gnomAD compares: African/African-American, 0.0013%; no homozygotes.

Submission:

Ambry Genetics
Classification: Uncertain significance. Last evaluated: 2023-08-03. Review status: criteria provided, single submitter. Criteria: Ambry Variant Classification Scheme 2023. Collection method: clinical testing. Allele origin: germline.
Comment: The p.K685E variant (also known as c.2053A>G), located in coding exon 4 of the TMPO gene, results from an A to G substitution at nucleotide position 2053. The lysine at codon 685 is replaced by glutamic acid, an amino acid with similar properties. This amino acid position is conserved. In addition, the in silico prediction for this alteration is inconclusive. Since supporting evidence is limited at this time, the clinical significance of this alteration remains unclear.